The following is an entry in ClinVar:

ClinVar aggregate classification (germline): Uncertain significance. Review status: criteria provided, multiple submitters, no conflicts (2 of 4 stars). 2 submissions from 2 submitters: Uncertain significance (2). Last evaluated 2025-01-13.

Conditions:
Neuronopathy, distal hereditary motor, autosomal recessive 4. Also called: Autosomal recessive lower motor neuron disease with childhood onset; NEUROPATHY, DISTAL HEREDITARY MOTOR, AUTOSOMAL RECESSIVE 4. Identifiers: Orphanet 206580, MedGen C1970211, MONDO:0012608, OMIM 611067.
Charcot-Marie-Tooth disease recessive intermediate C. Also called: CHARCOT-MARIE-TOOTH NEUROPATHY, RECESSIVE INTERMEDIATE C. Identifiers: Orphanet 369867, MedGen C3809309, MONDO:0014154, OMIM 615376.

Submissions (2):

Women's Health and Genetics/Laboratory Corporation of America, LabCorp
Classification: Uncertain significance. Last evaluated: 2025-01-13. Review status: criteria provided, single submitter. Criteria: LabCorp Variant Classification Summary - May 2015. Collection method: clinical testing. Allele origin: germline.
Comment: Variant summary: PLEKHG5 c.124_129dupGAGGAG (p.Glu42_Glu43dup) results in an in-frame duplication that is predicted to duplicate two glutamic acids into the encoded protein. The variant allele was found at a frequency of 4e-06 in 249588 control chromosomes. The available data on variant occurrences in the general population are insufficient to allow any conclusion about variant significance. To our knowledge, no occurrence of c.124_129dupGAGGAG in individuals affected with Distal Spinal Muscular Atrophy, Autosomal Recessive 4 and no experimental evidence demonstrating its impact on protein function have been reported. ClinVar contains an entry for this variant (Variation ID: 565732). Based on the evidence outlined above, the variant was classified as uncertain significance.

Labcorp Genetics (formerly Invitae), Labcorp
Classification: Uncertain significance for Neuronopathy, distal hereditary motor, autosomal recessive 4; Charcot-Marie-Tooth disease recessive intermediate C. Last evaluated: 2022-07-05. Review status: criteria provided, single submitter. Criteria: Invitae Variant Classification Sherloc (09022015). Collection method: clinical testing. Allele origin: germline.
Comment: This variant, c.124_129dup, results in the insertion of 2 amino acid(s) of the PLEKHG5 protein (p.Glu42_Glu43dup), but otherwise preserves the integrity of the reading frame. This variant is present in population databases (no rsID available, gnomAD 0.002%). This variant has not been reported in the literature in individuals affected with PLEKHG5-related conditions. ClinVar contains an entry for this variant (Variation ID: 565732). Experimental studies and prediction algorithms are not available or were not evaluated, and the functional significance of this variant is currently unknown. In summary, the available evidence is currently insufficient to determine the role of this variant in disease. Therefore, it has been classified as a Variant of Uncertain Significance.

NM_020631.6(PLEKHG5):c.112GAG[8] (p.Glu43_Ser44insGluGlu)

Gene: PLEKHG5 (pleckstrin homology and RhoGEF domain containing G5; minus strand). Cytogenetic location: 1p36.31.
Variant type: Microsatellite.
Coding change: c.112GAG[8] on transcript NM_020631.6 (MANE Select); eight copies in a row of the 3-base unit GAG starting at c.112; the reference has six copies in a row; two copies, 6 bases duplicated.
Protein change: p.Glu43_Ser44insGluGlu.
Molecular consequence: inframe insertion. On other transcripts: inframe indel (4).
Genome position (GRCh38, 1-based): chr1:6,475,951-6,475,956, CTCCTC duplicated on the plus strand (GAGGAG on the coding strand, the reverse complement: PLEKHG5 is on the minus strand); duplicating any 6 consecutive bases within chr1:6,475,951-6,475,969 gives the same sequence; the position shown is the placement nearest the transcript's 3' end. VCF-style (leftmost placement, unchanged base first): chr1-6475950-T-TCTCCTC. GRCh37 (hg19) VCF-style: chr1-6536010-T-TCTCCTC.
Other names: c.124_129dupGAGGAG (NM_020631.6); c.223GAG[8], p.Glu80_Ser81insGluGlu (NM_001042663.3, NM_001265592.2); c.111_113GGA[8], p.Glu43_Ser44insGluGlu (NM_001042664.2, NM_001042665.2, NM_001265594.3); c.318_320GGA[8], p.Glu112_Ser113insGluGlu (NM_001265593.2); c.112GAG[8], p.Glu43_Ser44insGluGlu (NM_198681.4).
Identifiers: ClinVar variation 565732 (VCV000565732.10), dbSNP rs760139855, ClinGen allele CA520766241.